The following is an entry in ClinVar:

NM_080732.4(EGLN2):c.869A>C (p.Asn290Thr)

Genes: EGLN2 (egl-9 family hypoxia inducible factor 2; plus strand), RAB4B-EGLN2 (RAB4B-EGLN2 readthrough (NMD candidate); plus strand). Cytogenetic location: 19q13.2.
Variant type: single nucleotide variant.
Coding change: c.869A>C on transcript NM_080732.4 (MANE Select); coding-DNA position 869, A replaced by C.
Protein change: p.Asn290Thr; replaces asparagine 290 with threonine.
Molecular consequence: missense variant. On other transcripts: non-coding transcript variant (1).
Genome position (GRCh38, 1-based): chr19:40,806,580, A>C. VCF-style: chr19-40806580-A-C. GRCh37 (hg19) VCF-style: chr19-41312485-A-C.
Other names: c.869A>C, p.Asn290Thr (NM_053046.4); short protein forms N290T.
Identifiers: ClinVar variation 2564164 (VCV002564164.2), dbSNP rs776201066, ClinGen allele CA405956159.

ClinVar aggregate classification (germline): Uncertain significance (1 of 4 stars; one submission).

gnomAD v4.1: 1 of 1,613,954 alleles (0.000062%); highest among the groups gnomAD compares: African/African-American, 0.0013%; no homozygotes.

Submission:

Ambry Genetics
Classification: Uncertain significance. Last evaluated: 2023-05-21. Review status: criteria provided, single submitter. Criteria: Ambry Variant Classification Scheme 2023. Collection method: clinical testing. Allele origin: germline.
Comment: The p.N290T variant (also known as c.869A>C), located in coding exon 2 of the EGLN2 gene, results from an A to C substitution at nucleotide position 869. The asparagine at codon 290 is replaced by threonine, an amino acid with similar properties. This amino acid position is conserved. In addition, this alteration is predicted to be tolerated by in silico analysis. Since supporting evidence is limited at this time, the clinical significance of this alteration remains unclear.